The following is an entry in ClinVar:

NM_001122630.2(CDKN1C):c.423G>A (p.Pro141=)

Gene: CDKN1C (cyclin dependent kinase inhibitor 1C; minus strand). Cytogenetic location: 11p15.4.
Variant type: single nucleotide variant.
Coding change: c.423G>A on transcript NM_001122630.2 (MANE Select); coding-DNA position 423, G replaced by A.
Protein change: p.Pro141=; no amino-acid change (proline 141 retained).
Molecular consequence: synonymous variant. On other transcripts: intron variant (1).
Genome position (GRCh38, 1-based): chr11:2,885,034, C>T on the plus strand (G>A on the coding strand, the complement: CDKN1C is on the minus strand). VCF-style: chr11-2885034-C-T. GRCh37 (hg19) VCF-style: chr11-2906264-C-T.
Other names: c.456G>A, p.Pro152= (NM_000076.2, NM_001362474.2, LRG_533t1); c.423G>A, p.Pro141= (NM_001122631.2); c.255+168G>A (NM_001362475.2).
Identifiers: ClinVar variation 236952 (VCV000236952.39), dbSNP rs878853626, ClinGen allele CA10582907.

ClinVar aggregate classification (germline): Conflicting classifications of pathogenicity. Review status: criteria provided, conflicting classifications (1 of 4 stars). 5 submissions from 5 submitters: Uncertain significance (1); Likely benign (3). 1 of the submissions does not count toward it. Last evaluated 2026-08-01.

Conditions:
CDKN1C-related disorder. Also called: CDKN1C-related condition.
Beckwith-Wiedemann syndrome (BWS). Also called: EMG SYNDROME; Exomphalos macroglossia gigantism syndrome. Identifiers: Orphanet 116, MedGen C0004903, MONDO:0007534, OMIM 130650.

Allele frequency attached by ClinVar (database versions not stated): TOPMed 0.00041; gnomAD 0.00043 and 0.00044; gnomAD exomes 0.00045; 1000 Genomes Project 30x 0.00062.
gnomAD v4.1: 639 of 1,312,894 alleles (0.049%); highest among the groups gnomAD compares: Admixed American, 0.088%; no homozygotes.

Submissions (5):

CeGaT Center for Human Genetics Tuebingen
Classification: Likely benign. Last evaluated: 2026-08-01. Review status: criteria provided, single submitter. Criteria: CeGaT Center For Human Genetics Tuebingen Variant Classification Criteria Version 2. Collection method: clinical testing. Allele origin: germline. Affected: yes. Observed: 10 variant alleles.
Comment: CDKN1C: BP4, BP7

Labcorp Genetics (formerly Invitae), Labcorp
Classification: Likely benign for Beckwith-Wiedemann syndrome. Last evaluated: 2025-12-10. Review status: criteria provided, single submitter. Criteria: Invitae Variant Classification Sherloc (09022015). Collection method: clinical testing. Allele origin: germline.

Blueprint Genetics
Classification: Likely benign. Last evaluated: 2024-11-15. Review status: criteria provided, single submitter. Criteria: ACMG Guidelines, 2015. Collection method: clinical testing. Allele origin: germline.

Sema4
Classification: Uncertain significance for Beckwith-Wiedemann syndrome. Last evaluated: 2021-07-14. Review status: criteria provided, single submitter. Criteria: Sema4 Curation Guidelines. Collection method: curation. Allele origin: germline.
Comment: The CDKN1C c.456G>A (p.P152=) variant has not been reported in the literature to our knowledge. It was observed in 9/16522 chromosomes of the Non-Finnish European subpopulation in the large and broad cohorts of the Genome Aggregation Database. The variant has been reported in ClinVar (Variation ID: 236952). In silico tools suggest the variant may potentially have an impact on splicing, though these predictions have not been confirmed by functional studies. The evidence is insufficient to meet ACMG/AMP criteria for classifying the variant as benign or pathogenic. Thus, the clinical significance of this variant is currently uncertain.

PreventionGenetics, part of Exact Sciences
Classification: Likely benign for CDKN1C-related condition. Last evaluated: 2021-02-05. Review status: no assertion criteria provided. Collection method: clinical testing. Allele origin: germline. Not counted in ClinVar's aggregate classification.
Comment: This variant is classified as likely benign based on ACMG/AMP sequence variant interpretation guidelines (Richards et al. 2015 PMID: 25741868, with internal and published modifications).